The following is an entry in ClinVar:

NM_000059.4(BRCA2):c.5107G>T (p.Glu1703Ter)

Gene: BRCA2 (BRCA2 DNA repair associated; plus strand). Cytogenetic location: 13q13.1.
Variant type: single nucleotide variant.
Coding change: c.5107G>T on transcript NM_000059.4 (MANE Select); coding-DNA position 5107, G replaced by T.
Protein change: p.Glu1703Ter; replaces glutamic acid 1703 with a stop codon.
Molecular consequence: nonsense.
Genome position (GRCh38, 1-based): chr13:32,339,462, G>T. VCF-style: chr13-32339462-G-T. GRCh37 (hg19) VCF-style: chr13-32913599-G-T.
Other names: short protein forms E1703*.
Identifiers: ClinVar variation 51770 (VCV000051770.6), dbSNP rs80358735, ClinGen allele CA021274.
Genomic context (GRCh38, chr13:32,339,462, plus strand): 5'-CAGACTTCATTACTTGAAGCAAAAAAATGGCTTAGAGAAGGAATATTTGATGGTCAACCA[G>T]AAAGAATAAATACTGCAGATTATGTAGGAAATTATTTGTATGAAAATAATTCAAACAGTA-3'

ClinVar aggregate classification (germline): Pathogenic. Review status: reviewed by expert panel (3 of 4 stars). 4 submissions from 4 submitters: Pathogenic (1). 3 of the submissions do not count toward it. Last evaluated 2016-09-08.

Conditions:
Hereditary breast ovarian cancer syndrome. Also called: Hereditary breast and ovarian cancer syndrome; Hereditary breast and ovarian cancer; Hereditary breast and ovarian cancer syndrome (HBOC); Breast and ovarian cancer; Hereditary breast and/or ovarian cancer syndrome; BRCA1- and BRCA2-Associated Hereditary Breast and Ovarian Cancer. Identifiers: Orphanet 145, MedGen C0677776, MeSH D061325, MONDO:0003582. Disease mechanism: loss of function.
Hereditary cancer-predisposing syndrome. Also called: Neoplastic Syndromes, Hereditary; Tumor predisposition; Hereditary neoplastic syndrome; Hereditary Cancer Syndrome. Identifiers: Orphanet 140162, MedGen C0027672, MeSH D009386, MONDO:0015356.
Breast-ovarian cancer, familial, susceptibility to, 2 (BROVCA2). Also called: BRCA2 Hereditary Breast and Ovarian Cancer. Identifiers: Orphanet 145, MedGen C2675520, MONDO:0012933, OMIM 612555. Disease mechanism: loss of function.

Submissions (4):

Evidence-based Network for the Interpretation of Germline Mutant Alleles (ENIGMA)
Classification: Pathogenic for Breast-ovarian cancer, familial, susceptibility to, 2. Last evaluated: 2016-09-08. Review status: reviewed by expert panel. Criteria: ENIGMA BRCA1/2 Classification Criteria (2015). Collection method: curation. Allele origin: germline.
Comment: Variant allele predicted to encode a truncated non-functional protein.

Ambry Genetics
Classification: Pathogenic for Hereditary cancer-predisposing syndrome. Last evaluated: 2023-05-13. Review status: criteria provided, single submitter. Criteria: Ambry Variant Classification Scheme 2023. Collection method: clinical testing. Allele origin: germline. Not counted in ClinVar's aggregate classification.
Comment: The p.E1703* pathogenic mutation (also known as c.5107G>T), located in coding exon 10 of the BRCA2 gene, results from a G to T substitution at nucleotide position 5107. This changes the amino acid from a glutamic acid to a stop codon within coding exon 10. This variant is considered to be rare based on population cohorts in the Genome Aggregation Database (gnomAD). This alteration is expected to result in loss of function by premature protein truncation or nonsense-mediated mRNA decay. As such, this alteration is interpreted as a disease-causing mutation.

Research Molecular Genetics Laboratory, Women's College Hospital, University of Toronto
Classification: Pathogenic for Hereditary breast ovarian cancer syndrome. Last evaluated: 2014-01-31. Review status: no assertion criteria provided. Collection method: research. Allele origin: germline. Affected: yes. Study: The Canadian Open Genetics Repository (COGR). Not counted in ClinVar's aggregate classification.

Breast Cancer Information Core (BIC) (BRCA2)
Classification: Pathogenic for Breast-ovarian cancer, familial 2. Last evaluated: 1999-06-22. Review status: no assertion criteria provided. Collection method: clinical testing. Allele origin: germline. Affected: yes. Observed: 2 variant alleles. Not counted in ClinVar's aggregate classification.